The following is an entry in ClinVar:

NM_001148.6(ANK2):c.10660A>T (p.Asn3554Tyr)

Gene: ANK2 (ankyrin 2; plus strand). Cytogenetic location: 4q26.
Variant type: single nucleotide variant.
Coding change: c.10660A>T on transcript NM_001148.6 (MANE Select); coding-DNA position 10660, A replaced by T.
Protein change: p.Asn3554Tyr; replaces asparagine 3554 with tyrosine.
Molecular consequence: missense variant. On other transcripts: intron variant (68).
Genome position (GRCh38, 1-based): chr4:113,359,278, A>T. VCF-style: chr4-113359278-A-T. GRCh37 (hg19) VCF-style: chr4-114280434-A-T.
Other names: c.10426A>T, p.Asn3476Tyr (NM_001386142.1); c.7060A>T, p.Asn2354Tyr (NM_001386166.1); c.10801A>T, p.Asn3601Tyr (NM_001386174.1); c.10777A>T, p.Asn3593Tyr (NM_001386175.1); c.4412-1545A>T (NM_001386186.2, NM_001386148.2); c.4214-1545A>T (NM_001354269.3); c.4292-1545A>T (NM_001386187.2); c.4253-1545A>T (NM_001386147.1); and 35 more; short protein forms N3554Y, N2354Y, N3476Y, N3593Y, N3601Y.
Identifiers: ClinVar variation 903082 (VCV000903082.13), dbSNP rs758868149, ClinGen allele CA3052098.

ClinVar aggregate classification (germline): Uncertain significance. Review status: criteria provided, multiple submitters, no conflicts (2 of 4 stars). 4 submissions from 4 submitters: Uncertain significance (4). Last evaluated 2023-07-07.

Conditions:
Cardiovascular phenotype. Identifiers: MedGen CN230736.
Long QT syndrome (LQTS). Identifiers: MedGen C0023976, MeSH D008133, MONDO:0002442. Disease mechanism: loss of function. Inheritance: Various modes of inheritance.
Cardiac arrhythmia, ankyrin-B-related. Also called: ANKYRIN-B SYNDROME. Identifiers: Orphanet 101016, Orphanet 768, MedGen C1970119, MONDO:0010958, OMIM 600919.

Allele frequency attached by ClinVar (database versions not stated): ExAC 0.00002; gnomAD exomes 0.00002; TOPMed 0.00002; gnomAD 0.00001.
gnomAD v4.1: 67 of 1,613,750 alleles (0.0042%); highest among the groups gnomAD compares: Non-Finnish European, 0.0055%; no homozygotes.

Submissions (4):

Labcorp Genetics (formerly Invitae), Labcorp
Classification: Uncertain significance for Long QT syndrome. Last evaluated: 2023-07-07. Review status: criteria provided, single submitter. Criteria: Invitae Variant Classification Sherloc (09022015). Collection method: clinical testing. Allele origin: germline.
Comment: An algorithm developed to predict the effect of missense changes on protein structure and function (PolyPhen-2) suggests that this variant is likely to be disruptive. In summary, the available evidence is currently insufficient to determine the role of this variant in disease. Therefore, it has been classified as a Variant of Uncertain Significance. ClinVar contains an entry for this variant (Variation ID: 903082). This sequence change replaces asparagine, which is neutral and polar, with tyrosine, which is neutral and polar, at codon 3554 of the ANK2 protein (p.Asn3554Tyr). This variant is present in population databases (rs758868149, gnomAD 0.004%). This variant has not been reported in the literature in individuals affected with ANK2-related conditions.

Ambry Genetics
Classification: Uncertain significance for Cardiovascular phenotype. Last evaluated: 2022-07-13. Review status: criteria provided, single submitter. Criteria: Ambry Variant Classification Scheme 2023. Collection method: clinical testing. Allele origin: germline.

Fulgent Genetics
Classification: Uncertain significance for Cardiac arrhythmia, ankyrin-B-related. Last evaluated: 2021-11-21. Review status: criteria provided, single submitter. Criteria: ACMG Guidelines, 2015. Collection method: clinical testing. Allele origin: unknown.

Illumina Laboratory Services, Illumina
Classification: Uncertain significance for Cardiac arrhythmia, ankyrin-B-related. Last evaluated: 2018-01-12. Review status: criteria provided, single submitter. Criteria: ICSL Variant Classification Criteria 13 December 2019. Collection method: clinical testing. Allele origin: germline.